The following is an entry in ClinVar:

NM_006649.4(UTP14A):c.69A>G (p.Pro23=)

Genes: UTP14A (UTP14A small subunit processome component; plus strand), LOC105373335 (uncharacterized LOC105373335; minus strand). Cytogenetic location: Xq26.1.
Variant type: single nucleotide variant.
Coding change: c.69A>G on transcript NM_006649.4 (MANE Select); coding-DNA position 69, A replaced by G.
Protein change: p.Pro23=; no amino-acid change (proline 23 retained).
Molecular consequence: synonymous variant. On other transcripts: non-coding transcript variant (1).
Genome position (GRCh38, 1-based): chrX:129,907,409, A>G. VCF-style: chrX-129907409-A-G. GRCh37 (hg19) VCF-style: chrX-129041385-A-G.
Other names: c.69A>G, p.Pro23= (NM_001166221.2).
Identifiers: ClinVar variation 2661405 (VCV002661405.24), dbSNP rs923295157, ClinGen allele CA335722827.

ClinVar aggregate classification (germline): Likely benign (1 of 4 stars; one submission).

Allele frequency attached by ClinVar (database versions not stated): gnomAD exomes 0.00001; TOPMed 0.00001.
gnomAD v4.1: 12 of 1,210,140 alleles (0.00099%); highest among the groups gnomAD compares: Middle Eastern, 0.046%; no homozygotes.

Submission:

CeGaT Center for Human Genetics Tuebingen
Classification: Likely benign. Last evaluated: 2023-11-01. Review status: criteria provided, single submitter. Criteria: CeGaT Center For Human Genetics Tuebingen Variant Classification Criteria Version 2. Collection method: clinical testing. Allele origin: germline. Affected: yes. Observed: 1 variant allele.
Comment: UTP14A: BP4, BP7